The following is an entry in ClinVar:

NM_001142285.2(RPS24):c.526G>A (p.Val176Met)

Gene: RPS24 (ribosomal protein S24; plus strand). Cytogenetic location: 10q22.3.
Variant type: single nucleotide variant.
Coding change: c.526G>A on transcript NM_001142285.2; coding-DNA position 526, G replaced by A.
Protein change: p.Val176Met; replaces valine 176 with methionine.
Molecular consequence: missense variant.
Genome position (GRCh38, 1-based): chr10:78,054,666, G>A. VCF-style: chr10-78054666-G-A. GRCh37 (hg19) VCF-style: chr10-79814424-G-A.
Other names: short protein forms V176M.
Identifiers: ClinVar variation 1048968 (VCV001048968.5), dbSNP rs558584969, ClinGen allele CA5572095.

ClinVar aggregate classification (germline): Conflicting classifications of pathogenicity. Review status: criteria provided, conflicting classifications (1 of 4 stars). 3 submissions from 3 submitters: Uncertain significance (1); Likely benign (1). 1 of the submissions does not count toward it. Last evaluated 2024-02-28.

Conditions:
Diamond-Blackfan anemia 3 (DBA3). Also called: RPS24-Related Diamond-Blackfan Anemia. Identifiers: Orphanet 124, MedGen C1857719, MONDO:0012529, OMIM 610629.

Allele frequency attached by ClinVar (database versions not stated): gnomAD exomes 0.00005 and 0.00004; TOPMed 0.00005; ExAC 0.00010; 1000 Genomes Project 30x 0.00016; gnomAD 0.00003; 1000 Genomes Project 0.00020.
gnomAD v4.1: 54 of 1,551,726 alleles (0.0035%); highest among the groups gnomAD compares: Admixed American, 0.016%; no homozygotes.

Submissions (3):

Blueprint Genetics
Classification: Likely benign. Last evaluated: 2024-02-28. Review status: criteria provided, single submitter. Criteria: ACMG Guidelines, 2015. Collection method: clinical testing. Allele origin: germline.

Fulgent Genetics
Classification: Uncertain significance for Diamond-Blackfan anemia 3. Last evaluated: 2021-11-14. Review status: criteria provided, single submitter. Criteria: ACMG Guidelines, 2015. Collection method: clinical testing. Allele origin: unknown.

Department of Pathology and Laboratory Medicine, Sinai Health System
Classification: Uncertain significance. Review status: no assertion criteria provided. Collection method: clinical testing. Allele origin: unknown. Affected: yes. Study: The Canadian Open Genetics Repository (COGR). Not counted in ClinVar's aggregate classification.
Comment: The RPS24 p.Val176Met variant was not identified in the literature nor was it identified in ClinVar, Cosmic, or LOVD 3.0. The variant was identified in dbSNP (ID: rs558584969) and in control databases in 8 of 154174 chromosomes at a frequency of 0.000052 (Genome Aggregation Database Feb 27, 2017). The variant was observed in the following populations: Latino in 5 of 24690 chromosomes (freq: 0.000203) and European (non-Finnish) in 3 of 59734 chromosomes (freq: 0.00005), while the variant was not observed in the African, Ashkenazi Jewish, East Asian, European (Finnish), Other or South Asian populations. The variant occurs outside of the splicing consensus sequence and in silico or computational prediction software programs (SpliceSiteFinder, MaxEntScan, NNSPLICE, GeneSplicer) do not predict a difference in splicing. The p.Val176 residue is conserved across mammals and other organisms however four out of five computational analyses (SIFT, AlignGVGD, BLOSUM, MutationTaster) do not suggest a high likelihood of impact to the protein; this information is not predictive enough to rule out pathogenicity. In summary, based on the above information the clinical significance of this variant cannot be determined with certainty at this time. This variant is classified as a variant of uncertain significance.